The following is an entry in ClinVar:

NM_021831.6(AGBL5):c.2435C>T (p.Pro812Leu)

Gene: AGBL5 (AGBL carboxypeptidase 5; plus strand). Cytogenetic location: 2p23.3.
Variant type: single nucleotide variant.
Coding change: c.2435C>T on transcript NM_021831.6 (MANE Select); coding-DNA position 2435, C replaced by T.
Protein change: p.Pro812Leu; replaces proline 812 with leucine.
Molecular consequence: missense variant. On other transcripts: non-coding transcript variant (2).
Genome position (GRCh38, 1-based): chr2:27,069,652, C>T. VCF-style: chr2-27069652-C-T. GRCh37 (hg19) VCF-style: chr2-27292520-C-T.
Other names: c.2435C>T (NM_021831.5); short protein forms P812L.
Identifiers: ClinVar variation 1464664 (VCV001464664.10), dbSNP rs371326361, ClinGen allele CA346142181.
Genomic context (GRCh38, chr2:27,069,652, plus strand): 5'-GGGGCTCACCGCCGACTCGCAGAGGGATGAAAGGCTCTTCAGGCCCCACATCCCCTACCC[C>T]CCGGACCAGGGAGAGCAGTGAGCTGGAGCTGGGATCCTGCTCTGCTACACCAGGGTGAGC-3'
Protein context (NP_068603.4, residues 802-822): KGSSGPTSPT[Pro812Leu]RTRESSELEL

ClinVar aggregate classification (germline): Uncertain significance. Review status: criteria provided, multiple submitters, no conflicts (2 of 4 stars). 3 submissions from 3 submitters: Uncertain significance (3). Last evaluated 2024-10-08.

Conditions:
Inborn genetic diseases. Identifiers: MedGen C0950123, MeSH D030342.

gnomAD v4.1: 28 of 1,614,082 alleles (0.0017%); highest among the groups gnomAD compares: Middle Eastern, 0.016%; no homozygotes.

Submissions (3):

Blueprint Genetics
Classification: Uncertain significance. Last evaluated: 2024-10-08. Review status: criteria provided, single submitter. Criteria: ACMG Guidelines, 2015. Collection method: clinical testing. Allele origin: germline.

Ambry Genetics
Classification: Uncertain significance for Inborn genetic diseases. Last evaluated: 2023-12-13. Review status: criteria provided, single submitter. Criteria: Ambry Variant Classification Scheme 2023. Collection method: clinical testing. Allele origin: germline.

Labcorp Genetics (formerly Invitae), Labcorp
Classification: Uncertain significance. Last evaluated: 2022-06-02. Review status: criteria provided, single submitter. Criteria: Invitae Variant Classification Sherloc (09022015). Collection method: clinical testing. Allele origin: germline.
Comment: This sequence change replaces proline, which is neutral and non-polar, with leucine, which is neutral and non-polar, at codon 812 of the AGBL5 protein (p.Pro812Leu). In summary, the available evidence is currently insufficient to determine the role of this variant in disease. Therefore, it has been classified as a Variant of Uncertain Significance. Algorithms developed to predict the effect of missense changes on protein structure and function output the following: SIFT: "Tolerated"; PolyPhen-2: "Benign"; Align-GVGD: "Class C0". The leucine amino acid residue is found in multiple mammalian species, which suggests that this missense change does not adversely affect protein function. ClinVar contains an entry for this variant (Variation ID: 1464664). This variant has not been reported in the literature in individuals affected with AGBL5-related conditions. This variant is present in population databases (no rsID available, gnomAD 0.004%).